The following is an entry in ClinVar:

ClinVar aggregate classification (germline): Uncertain significance. Review status: criteria provided, multiple submitters, no conflicts (2 of 4 stars). 2 submissions from 2 submitters: Uncertain significance (2). Last evaluated 2025-08-13.

Conditions:
Inborn genetic diseases. Identifiers: MedGen C0950123, MeSH D030342.
Bardet-Biedl syndrome (BBS). Identifiers: Orphanet 110, MedGen C0752166, MONDO:0015229.

Allele frequency attached by ClinVar (database versions not stated): ESP Exome Variant Server 0.00008.
gnomAD v4.1: 19 of 1,603,994 alleles (0.0012%); highest among the groups gnomAD compares: African/African-American, 0.004%; no homozygotes.

Submissions (2):

Ambry Genetics
Classification: Uncertain significance for Inborn genetic diseases. Last evaluated: 2025-08-13. Review status: criteria provided, single submitter. Criteria: Ambry Variant Classification Scheme 2023. Collection method: clinical testing. Allele origin: germline.

Labcorp Genetics (formerly Invitae), Labcorp
Classification: Uncertain significance for Bardet-Biedl syndrome. Last evaluated: 2022-05-09. Review status: criteria provided, single submitter. Criteria: Invitae Variant Classification Sherloc (09022015). Collection method: clinical testing. Allele origin: germline.
Comment: This sequence change replaces arginine, which is basic and polar, with glutamine, which is neutral and polar, at codon 598 of the BBS9 protein (p.Arg598Gln). This variant is present in population databases (rs148232898, gnomAD 0.009%). This variant has not been reported in the literature in individuals affected with BBS9-related conditions. Algorithms developed to predict the effect of missense changes on protein structure and function are either unavailable or do not agree on the potential impact of this missense change (SIFT: "Deleterious"; PolyPhen-2: "Probably Damaging"; Align-GVGD: "Class C0"). In summary, the available evidence is currently insufficient to determine the role of this variant in disease. Therefore, it has been classified as a Variant of Uncertain Significance.

NM_198428.3(BBS9):c.1793G>A (p.Arg598Gln)

Gene: BBS9 (Bardet-Biedl syndrome 9; plus strand). Cytogenetic location: 7p14.3.
Variant type: single nucleotide variant.
Coding change: c.1793G>A on transcript NM_198428.3 (MANE Select); coding-DNA position 1793, G replaced by A.
Protein change: p.Arg598Gln; replaces arginine 598 with glutamine.
Molecular consequence: missense variant. On other transcripts: non-coding transcript variant (3).
Genome position (GRCh38, 1-based): chr7:33,383,669, G>A. VCF-style: chr7-33383669-G-A. GRCh37 (hg19) VCF-style: chr7-33423281-G-A.
Other names: c.1793G>A (NM_198428.2); c.1688G>A, p.Arg563Gln (NM_001033604.2); c.1778G>A, p.Arg593Gln (NM_001033605.2); c.1793G>A, p.Arg598Gln (NM_001348036.1, NM_001348041.4, NM_001348043.3 and 3 more transcripts); c.1427G>A, p.Arg476Gln (NM_001348037.3, NM_001348045.3, NM_001348046.3); c.1520G>A, p.Arg507Gln (NM_001348038.3); c.1415G>A, p.Arg472Gln (NM_001348039.3); c.1673G>A, p.Arg558Gln (NM_001348040.3, NM_014451.4); and 2 more; short protein forms R558Q, R593Q, R441Q, R476Q, R598Q, R553Q, R563Q, R472Q.
Identifiers: ClinVar variation 1983365 (VCV001983365.2), dbSNP rs148232898, ClinGen allele CA4214515.